The following is an entry in ClinVar:

NM_017514.5(PLXNA3):c.840C>T (p.Ile280=)

Gene: PLXNA3 (plexin A3; plus strand). Cytogenetic location: Xq28.
Variant type: single nucleotide variant.
Coding change: c.840C>T on transcript NM_017514.5 (MANE Select); coding-DNA position 840, C replaced by T.
Protein change: p.Ile280=; no amino-acid change (isoleucine 280 retained).
Molecular consequence: synonymous variant.
Genome position (GRCh38, 1-based): chrX:154,461,344, C>T. VCF-style: chrX-154461344-C-T. GRCh37 (hg19) VCF-style: chrX-153689684-C-T.
Identifiers: ClinVar variation 3051470 (VCV003051470.2), dbSNP rs149751983, ClinGen allele CA10563827.

ClinVar aggregate classification (germline): Likely benign (0 of 4 stars; one submission).

Conditions:
PLXNA3-related disorder. Also called: PLXNA3-related condition.

Allele frequency attached by ClinVar (database versions not stated): gnomAD exomes 0.00006; gnomAD 0.00008; ESP Exome Variant Server 0.00009; TOPMed 0.00010; ExAC 0.00016; 1000 Genomes Project 30x 0.00062; 1000 Genomes Project 0.00079.
gnomAD v4.1: 80 of 1,211,544 alleles (0.0066%); highest among the groups gnomAD compares: South Asian, 0.046%; no homozygotes.

Submission:

PreventionGenetics, part of Exact Sciences
Classification: Likely benign for PLXNA3-related condition. Last evaluated: 2022-01-05. Review status: no assertion criteria provided. Collection method: clinical testing. Allele origin: germline.
Comment: This variant is classified as likely benign based on ACMG/AMP sequence variant interpretation guidelines (Richards et al. 2015 PMID: 25741868, with internal and published modifications).